The following is an entry in ClinVar:

ClinVar aggregate classification (germline): Uncertain significance (1 of 4 stars; one submission).

Submission:

GeneDx
Classification: Uncertain significance. Last evaluated: 2024-02-13. Review status: criteria provided, single submitter. Criteria: GeneDx Variant Classification Process June 2021. Collection method: clinical testing. Allele origin: germline. Affected: yes.
Comment: Not observed at significant frequency in large population cohorts (gnomAD); In silico analysis supports that this missense variant has a deleterious effect on protein structure/function; Has not been previously published as pathogenic or benign to our knowledge

NM_001386135.1(AFF3):c.3244C>G (p.His1082Asp)

Gene: AFF3 (ALF transcription elongation factor 3; minus strand). Cytogenetic location: 2q11.2.
Variant type: single nucleotide variant.
Coding change: c.3244C>G on transcript NM_001386135.1 (MANE Select); coding-DNA position 3244, C replaced by G.
Protein change: p.His1082Asp; replaces histidine 1082 with aspartic acid.
Molecular consequence: missense variant.
Genome position (GRCh38, 1-based): chr2:99,558,916, G>C on the plus strand (C>G on the coding strand, the complement: AFF3 is on the minus strand). VCF-style: chr2-99558916-G-C. GRCh37 (hg19) VCF-style: chr2-100175378-G-C.
Other names: c.3319C>G, p.His1107Asp (NM_001025108.2); c.3244C>G, p.His1082Asp (NM_002285.3); short protein forms H1082D, H1107D.
Identifiers: ClinVar variation 3369278 (VCV003369278.1).